The following is an entry in ClinVar:

NM_017763.6(RNF43):c.1993C>G (p.Pro665Ala)

Gene: RNF43 (ring finger protein 43; minus strand). Cytogenetic location: 17q22.
Variant type: single nucleotide variant.
Coding change: c.1993C>G on transcript NM_017763.6 (MANE Select); coding-DNA position 1993, C replaced by G.
Protein change: p.Pro665Ala; replaces proline 665 with alanine.
Molecular consequence: missense variant.
Genome position (GRCh38, 1-based): chr17:58,357,783, G>C on the plus strand (C>G on the coding strand, the complement: RNF43 is on the minus strand). VCF-style: chr17-58357783-G-C. GRCh37 (hg19) VCF-style: chr17-56435144-G-C.
Other names: c.1993C>G, p.Pro665Ala (NM_001305544.3, NM_001438820.1, NM_001438821.1 and 1 more transcripts); c.1612C>G, p.Pro538Ala (NM_001305545.2, NM_001437987.1); short protein forms P665A, P538A.
Identifiers: ClinVar variation 4713566 (VCV004713566.1).

ClinVar aggregate classification (germline): Uncertain significance (1 of 4 stars; one submission).

Submission:

Labcorp Genetics (formerly Invitae), Labcorp
Classification: Uncertain significance. Last evaluated: 2025-02-20. Review status: criteria provided, single submitter. Criteria: Invitae Variant Classification Sherloc (09022015). Collection method: clinical testing. Allele origin: germline.
Comment: This sequence change replaces proline, which is neutral and non-polar, with alanine, which is neutral and non-polar, at codon 665 of the RNF43 protein (p.Pro665Ala). This variant is not present in population databases (gnomAD no frequency). This variant has not been reported in the literature in individuals affected with RNF43-related conditions. An algorithm developed to predict the effect of missense changes on protein structure and function (PolyPhen-2) suggests that this variant is likely to be tolerated. In summary, the available evidence is currently insufficient to determine the role of this variant in disease. Therefore, it has been classified as a Variant of Uncertain Significance.